The following is an entry in ClinVar:

ClinVar aggregate classification (germline): Uncertain significance (1 of 4 stars; one submission).

Submission:

GeneDx
Classification: Uncertain significance. Last evaluated: 2024-08-18. Review status: criteria provided, single submitter. Criteria: GeneDx Variant Classification Process June 2021. Collection method: clinical testing. Allele origin: germline. Affected: yes.
Comment: Not observed at significant frequency in large population cohorts (gnomAD); In silico analysis indicates that this missense variant does not alter protein structure/function; Has not been previously published as pathogenic or benign to our knowledge

NM_000334.4(SCN4A):c.1590C>G (p.Ile530Met)

Gene: SCN4A (sodium voltage-gated channel alpha subunit 4; minus strand). Cytogenetic location: 17q23.3.
Variant type: single nucleotide variant.
Coding change: c.1590C>G on transcript NM_000334.4 (MANE Select); coding-DNA position 1590, C replaced by G.
Protein change: p.Ile530Met; replaces isoleucine 530 with methionine.
Molecular consequence: missense variant.
Genome position (GRCh38, 1-based): chr17:63,963,688, G>C on the plus strand (C>G on the coding strand, the complement: SCN4A is on the minus strand). VCF-style: chr17-63963688-G-C. GRCh37 (hg19) VCF-style: chr17-62041048-G-C.
Other names: short protein forms I530M.
Identifiers: ClinVar variation 3764266 (VCV003764266.1).